The following is an entry in ClinVar:

NM_002691.4(POLD1):c.1891G>A (p.Gly631Ser)

Gene: POLD1 (DNA polymerase delta 1, catalytic subunit; plus strand). Cytogenetic location: 19q13.33.
Variant type: single nucleotide variant.
Coding change: c.1891G>A on transcript NM_002691.4 (MANE Select); coding-DNA position 1891, G replaced by A.
Protein change: p.Gly631Ser; replaces glycine 631 with serine.
Molecular consequence: missense variant. On other transcripts: non-coding transcript variant (1).
Genome position (GRCh38, 1-based): chr19:50,408,900, G>A. VCF-style: chr19-50408900-G-A. GRCh37 (hg19) VCF-style: chr19-50912157-G-A.
Other names: c.1891G>A, p.Gly631Ser (NM_001256849.1); c.1969G>A, p.Gly657Ser (NM_001308632.1); short protein forms G657S, G631S.
Identifiers: ClinVar variation 537081 (VCV000537081.12), dbSNP rs1555791808, ClinGen allele CA406982170.

ClinVar aggregate classification (germline): Uncertain significance. Review status: criteria provided, multiple submitters, no conflicts (2 of 4 stars). 2 submissions from 2 submitters: Uncertain significance (2). Last evaluated 2025-05-02.

Conditions:
Hereditary cancer-predisposing syndrome. Also called: Tumor predisposition; Neoplastic Syndromes, Hereditary; Hereditary Cancer Syndrome; Hereditary neoplastic syndrome. Identifiers: Orphanet 140162, MedGen C0027672, MeSH D009386, MONDO:0015356.
POLD1-related polyposis and colorectal cancer syndrome (CRCS10). Also called: Colorectal cancer 10; COLORECTAL CANCER, SUSCEPTIBILITY TO, ON CHROMOSOME 19q; Colorectal cancer, susceptibility to, 10. Identifiers: Orphanet 220460, MedGen C2675481, MONDO:0012953, OMIM 612591.

Submissions (2):

Ambry Genetics
Classification: Uncertain significance for Hereditary cancer-predisposing syndrome. Last evaluated: 2025-05-02. Review status: criteria provided, single submitter. Criteria: Ambry Variant Classification Scheme 2023. Collection method: clinical testing. Allele origin: germline.
Comment: The p.G631S variant (also known as c.1891G>A), located in coding exon 14 of the POLD1 gene, results from a G to A substitution at nucleotide position 1891. The glycine at codon 631 is replaced by serine, an amino acid with similar properties. This amino acid position is conserved. In addition, this alteration is predicted to be tolerated by in silico analysis. Since supporting evidence is limited at this time, the clinical significance of this alteration remains unclear.

Labcorp Genetics (formerly Invitae), Labcorp
Classification: Uncertain significance for POLD1-related polyposis and colorectal cancer syndrome. Last evaluated: 2022-02-23. Review status: criteria provided, single submitter. Criteria: Invitae Variant Classification Sherloc (09022015). Collection method: clinical testing. Allele origin: germline.
Comment: This sequence change replaces glycine, which is neutral and non-polar, with serine, which is neutral and polar, at codon 631 of the POLD1 protein (p.Gly631Ser). This variant is not present in population databases (gnomAD no frequency). This variant has not been reported in the literature in individuals affected with POLD1-related conditions. ClinVar contains an entry for this variant (Variation ID: 537081). Algorithms developed to predict the effect of missense changes on protein structure and function (SIFT, PolyPhen-2, Align-GVGD) all suggest that this variant is likely to be tolerated. In summary, the available evidence is currently insufficient to determine the role of this variant in disease. Therefore, it has been classified as a Variant of Uncertain Significance.